The following is an entry in ClinVar:

ClinVar aggregate classification (germline): Pathogenic (1 of 4 stars; one submission).

Submission:

ISCA Site 6
Classification: Pathogenic. Last evaluated: 2011-08-12. Review status: criteria provided, single submitter. Criteria: Kaminsky et al. (Genet Med. 2011). Collection method: clinical testing. Allele origin: unknown. Affected: yes. Observed: 1 variant allele.
Comment: Copy number variation identified through the course of routine clinical cytogenomic testing in postnatal populations. Clinical assertions have been curated as described in Kaminsky et al. 2011.

GRCh38/hg38 4q35.1-35.2(chr4:185074103-189867552)x1

Genes: ANKRD37 (ankyrin repeat domain 37; plus strand), CCDC110 (coiled-coil domain containing 110; minus strand), CCDC110-AS1 (CCDC110 antisense RNA 1; plus strand), CFAP96 (cilia and flagella associated protein 96; plus strand), CFAP97 (cilia and flagella associated protein 97; minus strand) and 116 more. Cytogenetic location: 4q35.1-35.2.
Variant type: copy number loss.
Change: copy number 1 (one copy instead of two) of chr4:185,074,103-189,867,552 (4.79 Mb, GRCh38 coordinates, 1-based), cytogenetic band 4q35.1-35.2.
Identifiers: ClinVar variation 59537 (VCV000059537.2).